The following is an entry in ClinVar:

NM_007294.4(BRCA1):c.2893C>T (p.Leu965Phe)

Gene: BRCA1 (BRCA1 DNA repair associated; minus strand). Cytogenetic location: 17q21.31.
Variant type: single nucleotide variant.
Coding change: c.2893C>T on transcript NM_007294.4 (MANE Select); coding-DNA position 2893, C replaced by T.
Protein change: p.Leu965Phe; replaces leucine 965 with phenylalanine.
Molecular consequence: missense variant. On other transcripts: intron variant (137).
Genome position (GRCh38, 1-based): chr17:43,092,638, G>A on the plus strand (C>T on the coding strand, the complement: BRCA1 is on the minus strand). VCF-style: chr17-43092638-G-A. GRCh37 (hg19) VCF-style: chr17-41244655-G-A.
Other names: c.2512C>T, p.Leu838Phe (NM_001407959.1, NM_001407960.1, NM_001407963.1); c.2509C>T, p.Leu837Phe (NM_001407962.1); c.2005C>T, p.Leu669Phe (NM_001407967.1, NM_001407966.1); c.644-1606C>T (NM_001408470.1, NM_001408464.1, NM_001408468.1 and 3 more transcripts); c.647-1606C>T (NM_001408469.1, NM_001408458.1, NM_001408453.1 and 11 more transcripts); c.2749C>T, p.Leu917Phe (NM_001407964.1, NM_001407740.1, NM_001407741.1 and 20 more transcripts); c.2389C>T, p.Leu797Phe (NM_001407965.1); c.2752C>T, p.Leu918Phe (NM_007297.4, NM_001407692.1, NM_001407694.1 and 29 more transcripts); and 41 more; short protein forms L918F, L965F, L797F, L854F, L897F, L898F, L924F, L938F.
Identifiers: ClinVar variation 857839 (VCV000857839.17), dbSNP rs1060502344, ClinGen allele CA10596204.
Genomic context (GRCh38, chr17:43,092,638, plus strand): 5'-GAAAAAGTGGTGGTATACGATATGGGTTTTGTAAAAGTCCATGTTTATTTGGAGTAATGA[G>A]TCCAGTTTCGTTGCCTCTGAACTGAGATGATAGACAAAACCTAGAGCCTCCTTTGATACT-3'
Protein context (NP_009225.1, residues 955-975): SSQFRGNETG[Leu965Phe]ITPNKHGLLQ

ClinVar aggregate classification (germline): Conflicting classifications of pathogenicity. Review status: criteria provided, conflicting classifications (1 of 4 stars). 6 submissions from 6 submitters: Uncertain significance (5); Likely benign (1). Last evaluated 2025-08-18.

Conditions:
Hereditary cancer-predisposing syndrome. Also called: Tumor predisposition; Hereditary neoplastic syndrome; Neoplastic Syndromes, Hereditary; Hereditary Cancer Syndrome. Identifiers: Orphanet 140162, MedGen C0027672, MeSH D009386, MONDO:0015356.
Hereditary breast ovarian cancer syndrome. Also called: Breast and ovarian cancer; BRCA1- and BRCA2-Associated Hereditary Breast and Ovarian Cancer; Hereditary breast and ovarian cancer; Hereditary breast and ovarian cancer syndrome (HBOC); Hereditary breast and/or ovarian cancer syndrome; Hereditary breast and ovarian cancer syndrome. Identifiers: Orphanet 145, MedGen C0677776, MeSH D061325, MONDO:0003582. Disease mechanism: loss of function.

Submissions (6):

Labcorp Genetics (formerly Invitae), Labcorp
Classification: Uncertain significance for Hereditary breast ovarian cancer syndrome. Last evaluated: 2025-08-18. Review status: criteria provided, single submitter. Criteria: Invitae Variant Classification Sherloc (09022015). Collection method: clinical testing. Allele origin: germline.
Comment: This sequence change replaces leucine, which is neutral and non-polar, with phenylalanine, which is neutral and non-polar, at codon 965 of the BRCA1 protein (p.Leu965Phe). This variant is not present in population databases (gnomAD no frequency). This missense change has been observed in individual(s) with breast cancer (PMID: 18284688). ClinVar contains an entry for this variant (Variation ID: 857839). Invitae Evidence Modeling of protein sequence and biophysical properties (such as structural, functional, and spatial information, amino acid conservation, physicochemical variation, residue mobility, and thermodynamic stability) indicates that this missense variant is not expected to disrupt BRCA1 protein function with a negative predictive value of 80%. In summary, the available evidence is currently insufficient to determine the role of this variant in disease. Therefore, it has been classified as a Variant of Uncertain Significance.

Color Diagnostics, LLC DBA Color Health
Classification: Uncertain significance for Hereditary cancer-predisposing syndrome. Last evaluated: 2025-08-04. Review status: criteria provided, single submitter. Criteria: ACMG Guidelines, 2015. Collection method: clinical testing. Allele origin: germline.
Comment: This missense variant replaces leucine with phenylalanine at codon 965 of the BRCA1 protein. Computational prediction is inconclusive regarding the impact of this variant on protein structure and function. To our knowledge, functional studies have not been reported for this variant. This variant has been reported in an individual affected with breast cancer (PMID: 18284688). This variant has not been identified in the general population by the Genome Aggregation Database (gnomAD). The available evidence is insufficient to determine the role of this variant in disease conclusively. Therefore, this variant is classified as a Variant of Uncertain Significance.

Quest Diagnostics Nichols Institute San Juan Capistrano
Classification: Uncertain significance. Last evaluated: 2025-06-19. Review status: criteria provided, single submitter. Criteria: Quest Diagnostics criteria. Collection method: clinical testing. Allele origin: unknown.
Comment: The BRCA1 c.2893C>T (p.Leu965Phe) variant has been reported in the published literature in an affected individual with breast cancer (PMID: 18284688 (2008)) and is described to be located in a region of the BRCA1 gene that is tolerant to missense sequence changes (PMID: 31911673 (2020)). This variant has not been reported in large, multi-ethnic general populations (Genome Aggregation Database). Analysis of this variant using bioinformatics tools for the prediction of the effect of amino acid changes on protein structure and function yielded predictions that this variant is benign. Based on the available information, we are unable to determine the clinical significance of this variant.

Ambry Genetics
Classification: Uncertain significance for Hereditary cancer-predisposing syndrome. Last evaluated: 2023-06-14. Review status: criteria provided, single submitter. Criteria: Ambry Variant Classification Scheme 2023. Collection method: clinical testing. Allele origin: germline.
Comment: The p.L965F variant (also known as c.2893C>T), located in coding exon 9 of the BRCA1 gene, results from a C to T substitution at nucleotide position 2893. The leucine at codon 965 is replaced by phenylalanine, an amino acid with highly similar properties. This amino acid position is not well conserved in available vertebrate species. In addition, the in silico prediction for this alteration is inconclusive. Since supporting evidence is limited at this time, the clinical significance of this alteration remains unclear.

University of Washington Department of Laboratory Medicine, University of Washington
Classification: Likely benign for Hereditary cancer-predisposing syndrome. Last evaluated: 2023-03-23. Review status: criteria provided, single submitter. Criteria: Dines et al. (Genet Med. 2020). Collection method: curation. Allele origin: germline.
Comment: Missense variant in a coldspot region where missense variants are very unlikely to be pathogenic (PMID:31911673).

BRCA1 coldspot (exon 11 using historical exon numbering). Reclassification based on statistical prior probability

Women's Health and Genetics/Laboratory Corporation of America, LabCorp
Classification: Uncertain significance. Last evaluated: 2022-04-26. Review status: criteria provided, single submitter. Criteria: LabCorp Variant Classification Summary - May 2015. Collection method: clinical testing. Allele origin: germline.
Comment: Variant summary: BRCA1 c.2893C>T (p.Leu965Phe) results in a non-conservative amino acid change in the encoded protein sequence. Four of five in-silico tools predict a benign effect of the variant on protein function. The variant was absent in 251380 control chromosomes. The available data on variant occurrences in the general population are insufficient to allow any conclusion about variant significance. c.2893C>T has been reported in the literature as a VUS in at-least one individual from a population based cohort of breast cancer patients diagnosed between 20 and 49 years who underwent BRCA1/2 testing (example, Lee_2008). These report(s) do not provide unequivocal conclusions about association of the variant with Hereditary Breast And Ovarian Cancer Syndrome. To our knowledge, no experimental evidence demonstrating an impact on protein function has been reported. Two clinical diagnostic laboratories have submitted clinical-significance assessments for this variant to ClinVar after 2014 without evidence for independent evaluation. All laboratories classified the variant as uncertain significance. Based on the evidence outlined above, the variant was classified as uncertain significance.

Literature cited by the submitters: PubMed 18284688 (cited by 5 submitters); PubMed 31911673 (cited by Quest Diagnostics Nichols Institute San Juan Capistrano).